The following is an entry in ClinVar:

NM_000733.4(CD3E):c.103+10T>C

Gene: CD3E (CD3 epsilon subunit of T-cell receptor complex; plus strand). Cytogenetic location: 11q23.3.
Variant type: single nucleotide variant.
Coding change: c.103+10T>C on transcript NM_000733.4 (MANE Select); 10 bases into the intron after coding-DNA position 103, T replaced by C.
Molecular consequence: intron variant.
Genome position (GRCh38, 1-based): chr11:118,312,180, T>C. VCF-style: chr11-118312180-T-C. GRCh37 (hg19) VCF-style: chr11-118182895-T-C.
Identifiers: ClinVar variation 744708 (VCV000744708.14), dbSNP rs143015515, ClinGen allele CA6301613.

ClinVar aggregate classification (germline): Conflicting classifications of pathogenicity. Review status: criteria provided, conflicting classifications (1 of 4 stars). 3 submissions from 3 submitters: Uncertain significance (1); Likely benign (2). Last evaluated 2025-12-24.

Conditions:
Immunodeficiency 18 (IMD18). Also called: CD3-EPSILON DEFICIENCY; CD3epsilon deficiency. Identifiers: MedGen C3810127, MONDO:0014278, OMIM 615615.

Allele frequency attached by ClinVar (database versions not stated): ExAC 0.00006; gnomAD exomes 0.00006 and 0.00012; TOPMed 0.00006; gnomAD 0.00007; 1000 Genomes Project 0.00040; 1000 Genomes Project 30x 0.00047.
gnomAD v4.1: 188 of 1,610,622 alleles (0.012%); highest among the groups gnomAD compares: Middle Eastern, 0.05%; no homozygotes.

Submissions (3):

Labcorp Genetics (formerly Invitae), Labcorp
Classification: Likely benign for Immunodeficiency 18. Last evaluated: 2025-12-24. Review status: criteria provided, single submitter. Criteria: Invitae Variant Classification Sherloc (09022015). Collection method: clinical testing. Allele origin: germline.

Blueprint Genetics
Classification: Likely benign. Last evaluated: 2024-09-09. Review status: criteria provided, single submitter. Criteria: ACMG Guidelines, 2015. Collection method: clinical testing. Allele origin: germline.

Baylor Genetics
Classification: Uncertain significance for Immunodeficiency 18. Last evaluated: 2018-08-24. Review status: criteria provided, single submitter. Criteria: ACMG Guidelines, 2015. Collection method: clinical testing. Allele origin: maternal. Affected: yes.
Comment: This variant was determined to be of uncertain significance according to ACMG Guidelines, 2015 [PMID:25741868].